The following is an entry in ClinVar:

ClinVar aggregate classification (germline): Pathogenic/Likely pathogenic. Review status: criteria provided, multiple submitters, no conflicts (2 of 4 stars). 3 submissions from 3 submitters: Pathogenic (1); Likely pathogenic (2). Last evaluated 2025-03-30.

Conditions:
Retinitis pigmentosa 46 (RP46). Also called: RETINITIS PIGMENTOSA, AUTOSOMAL RECESSIVE, IDH3B-RELATED. Identifiers: Orphanet 791, MedGen C2675496, MONDO:0012943, OMIM 612572.
IDH3B-related disorders.

Submissions (3):

Labcorp Genetics (formerly Invitae), Labcorp
Classification: Pathogenic. Last evaluated: 2025-03-30. Review status: criteria provided, single submitter. Criteria: Invitae Variant Classification Sherloc (09022015). Collection method: clinical testing. Allele origin: germline.
Comment: This sequence change creates a premature translational stop signal (p.Glu184Valfs*2) in the IDH3B gene. It is expected to result in an absent or disrupted protein product. Loss-of-function variants in IDH3B are known to be pathogenic (PMID: 18806796). This variant is present in population databases (rs767275467, gnomAD 0.01%). This variant has not been reported in the literature in individuals affected with IDH3B-related conditions. ClinVar contains an entry for this variant (Variation ID: 1059651). For these reasons, this variant has been classified as Pathogenic.

Fulgent Genetics
Classification: Likely pathogenic for Retinitis pigmentosa 46. Last evaluated: 2024-03-06. Review status: criteria provided, single submitter. Criteria: ACMG Guidelines, 2015. Collection method: clinical testing. Allele origin: germline.

Blueprint Genetics
Classification: Likely pathogenic for IDH3B-related disorders. Last evaluated: 2024-01-23. Review status: criteria provided, single submitter. Criteria: ACMG Guidelines, 2015. Collection method: clinical testing. Allele origin: germline. Affected: yes. Observed: 5 variant alleles.

Literature cited by the submitters: PubMed 18806796 (cited by Labcorp Genetics (formerly Invitae), Labcorp).

NM_006899.5(IDH3B):c.551_554del (p.Glu184fs)

Gene: IDH3B (isocitrate dehydrogenase (NAD(+)) 3 non-catalytic subunit beta; minus strand). Cytogenetic location: 20p13.
Variant type: Deletion.
Coding change: c.551_554del on transcript NM_006899.5 (MANE Select); coding-DNA positions 551 to 554, 4 bases deleted (AGTG; older notation c.551_554delAGTG).
Protein change: p.Glu184fs; shifts the reading frame from glutamic acid 184.
Molecular consequence: frameshift variant. On other transcripts: non-coding transcript variant (1).
Genome position (GRCh38, 1-based): chr20:2,660,568-2,660,571, CACT deleted on the plus strand (AGTG on the coding strand, the reverse complement: IDH3B is on the minus strand); deleting any 4 consecutive bases within chr20:2,660,568-2,660,573 gives the same sequence; the c. name uses the placement nearest the transcript's 3' end. VCF-style (leftmost placement, unchanged base first): chr20-2660567-ACACT-A. GRCh37 (hg19) VCF-style: chr20-2641213-ACACT-A.
Other names: c.551_554del, p.Glu184fs (NM_001258384.3, NM_001330763.2, NM_174855.4); short protein forms E184fs.
Identifiers: ClinVar variation 1059651 (VCV001059651.9), dbSNP rs767275467, ClinGen allele CA9735244.
Genomic context (GRCh38, chr20:2,660,567, plus strand): 5'-GGCATAGTCAAAGGCGAACTTTGCAATCCGCTGAGACTTGGCTCGTGTGACAATCTTCAA[ACACT>A]CAATCACACCCCTTGCACTCTGGGTAAGAAGAAAGCAGCAGCTAGGTGACACTGGGAAGG-3'